The following is an entry in ClinVar:

ClinVar aggregate classification (germline): Pathogenic/Likely pathogenic. Review status: criteria provided, multiple submitters, no conflicts (2 of 4 stars). 4 submissions from 4 submitters: Pathogenic (1); Likely pathogenic (3). Last evaluated 2026-05-05.

Conditions:
Breast-ovarian cancer, familial, susceptibility to, 3. Also called: RAD51C-Related Breast/Ovarian Cancer. Identifiers: Orphanet 145, MedGen C3150659, MONDO:0013253, OMIM 613399.
Fanconi anemia complementation group O. Also called: RAD51C-Related Fanconi Anemia. Identifiers: Orphanet 84, MedGen C3150653, MONDO:0013248, OMIM 613390.
Hereditary cancer-predisposing syndrome. Also called: Neoplastic Syndromes, Hereditary; Hereditary Cancer Syndrome; Tumor predisposition; Hereditary neoplastic syndrome. Identifiers: Orphanet 140162, MedGen C0027672, MeSH D009386, MONDO:0015356.

Allele frequency attached by ClinVar (database versions not stated): gnomAD exomes below 0.00001 and 0.00001; ExAC 0.00001.
gnomAD v4.1: 2 of 1,613,224 alleles (0.00012%); highest among the groups gnomAD compares: South Asian, 0.0022%; no homozygotes.

Submissions (4):

Ambry Genetics
Classification: Likely pathogenic for Hereditary cancer-predisposing syndrome. Last evaluated: 2026-05-05. Review status: criteria provided, single submitter. Criteria: Ambry Variant Classification Scheme 2023. Collection method: clinical testing. Allele origin: germline.
Comment: The p.C335* variant (also known as c.1005C>A), located in coding exon 8 of the RAD51C gene, results from a C to A substitution at nucleotide position 1005. This changes the amino acid from a cysteine to a stop codon within coding exon 8. This variant occurs at the 3' terminus of the gene, is not expected to trigger nonsense-mediated mRNA decay, and impacts the last 11% of the protein. However, premature stop codons are typically deleterious in nature and the impacted region is critical for protein function (Ambry internal data). Based on the majority of available evidence to date, this variant is likely to be pathogenic.

Labcorp Genetics (formerly Invitae), Labcorp
Classification: Likely pathogenic for Fanconi anemia complementation group O. Last evaluated: 2025-08-20. Review status: criteria provided, single submitter. Criteria: Invitae Variant Classification Sherloc (09022015). Collection method: clinical testing. Allele origin: germline.
Comment: This sequence change creates a premature translational stop signal (p.Cys335*) in the RAD51C gene. While this is not anticipated to result in nonsense mediated decay, it is expected to disrupt the last 42 amino acid(s) of the RAD51C protein. This variant is present in population databases (rs759292615, gnomAD 0.006%). This variant has not been reported in the literature in individuals affected with RAD51C-related conditions. ClinVar contains an entry for this variant (Variation ID: 231450). This variant disrupts the nuclear localization signal (NLS) of the RAD51C protein, which is important for proper localization and function of the RAD51C protein (PMID:12966089). While functional studies have not been performed to directly test the effect of this variant on RAD51C protein function, this suggests that disruption of this region of the protein is causative of disease. In summary, the currently available evidence indicates that the variant is pathogenic, but additional data are needed to prove that conclusively. Therefore, this variant has been classified as Likely Pathogenic.

Myriad Genetics, Inc.
Classification: Pathogenic for Breast-ovarian cancer, familial, susceptibility to, 3. Last evaluated: 2025-01-31. Review status: criteria provided, single submitter. Criteria: Myriad Autosomal Dominant, Autosomal Recessive and X-Linked Classification Criteria (2023). Collection method: clinical testing. Allele origin: unknown.
Comment: This variant is considered pathogenic. This variant creates a termination codon and is predicted to result in premature protein truncation.

GeneDx
Classification: Likely pathogenic. Last evaluated: 2020-01-02. Review status: criteria provided, single submitter. Criteria: GeneDx Variant Classification Process June 2021. Collection method: clinical testing. Allele origin: germline. Affected: yes.
Comment: Nonsense variant in the C-terminus predicted to result in protein truncation, as the last 42 amino acids are lost including the nuclear localization signal (French 2003); Not observed at a significant frequency in large population cohorts (Lek 2016); Has not been previously published as pathogenic or benign to our knowledge

Literature cited by the submitters: PubMed 12442171 (cited by Ambry Genetics); PubMed 29054568 (cited by Ambry Genetics); PubMed 12966089 (cited by Labcorp Genetics (formerly Invitae), Labcorp).

NM_058216.3(RAD51C):c.1005C>A (p.Cys335Ter)

Gene: RAD51C (RAD51 paralog C; plus strand). Cytogenetic location: 17q22.
Variant type: single nucleotide variant.
Coding change: c.1005C>A on transcript NM_058216.3 (MANE Select); coding-DNA position 1005, C replaced by A.
Protein change: p.Cys335Ter; replaces cysteine 335 with a stop codon.
Molecular consequence: nonsense. On other transcripts: non-coding transcript variant (1).
Genome position (GRCh38, 1-based): chr17:58,732,523, C>A. VCF-style: chr17-58732523-C-A. GRCh37 (hg19) VCF-style: chr17-56809884-C-A.
Other names: short protein forms C335*.
Identifiers: ClinVar variation 231450 (VCV000231450.21), dbSNP rs759292615, ClinGen allele CA8677385.